The following is an entry in ClinVar:

ClinVar aggregate classification (germline): Pathogenic (1 of 4 stars; one submission).

Submission:

Labcorp Genetics (formerly Invitae), Labcorp
Classification: Pathogenic. Last evaluated: 2026-01-24. Review status: criteria provided, single submitter. Criteria: Invitae Variant Classification Sherloc (09022015). Collection method: clinical testing. Allele origin: germline.
Comment: This sequence change creates a premature translational stop signal (p.His108Alafs*30) in the SERPINH1 gene. It is expected to result in an absent or disrupted protein product. Loss-of-function variants in SERPINH1 are known to be pathogenic (PMID: 20188343, 27677223, 27838364). This variant is not present in population databases (gnomAD no frequency). This variant has not been reported in the literature in individuals affected with SERPINH1-related conditions. For these reasons, this variant has been classified as Pathogenic.

Literature cited by the submitters: PubMed 20188343; PubMed 27677223; PubMed 27838364.

NM_001235.5(SERPINH1):c.321_340del (p.His108fs)

Gene: SERPINH1 (serpin family H member 1; plus strand). Cytogenetic location: 11q13.5.
Variant type: Deletion.
Coding change: c.321_340del on transcript NM_001235.5 (MANE Select); coding-DNA positions 321 to 340, 20 bases deleted (GCACGCCGGCCTGGGCGAGC).
Protein change: p.His108fs; shifts the reading frame from histidine 108.
Molecular consequence: frameshift variant.
Genome position (GRCh38, 1-based): chr11:75,566,670-75,566,689, GCACGCCGGCCTGGGCGAGC deleted. VCF-style (leftmost placement, unchanged base first): chr11-75566669-TGCACGCCGGCCTGGGCGAGC-T. GRCh37 (hg19) VCF-style: chr11-75277714-TGCACGCCGGCCTGGGCGAGC-T.
Other names: c.321_340del, p.His108fs (NM_001207014.3, NM_001440311.1, NM_001440312.1 and 5 more transcripts); short protein forms H108fs.
Identifiers: ClinVar variation 4711331 (VCV004711331.1).